The following is an entry in ClinVar:

ClinVar aggregate classification (germline): Pathogenic (1 of 4 stars; one submission).

Conditions:
Hereditary cancer-predisposing syndrome. Also called: Tumor predisposition; Hereditary Cancer Syndrome; Hereditary neoplastic syndrome; Neoplastic Syndromes, Hereditary. Identifiers: Orphanet 140162, MedGen C0027672, MeSH D009386, MONDO:0015356.

Submission:

Ambry Genetics
Classification: Pathogenic for Hereditary cancer-predisposing syndrome. Last evaluated: 2025-07-08. Review status: criteria provided, single submitter. Criteria: Ambry Variant Classification Scheme 2023. Collection method: clinical testing. Allele origin: germline.
Comment: The c.50delG pathogenic mutation, located in coding exon 1 of the CTNNA1 gene, results from a deletion of one nucleotide at nucleotide position 50, causing a translational frameshift with a predicted alternate stop codon. This alteration is expected to result in loss of function by premature protein truncation or nonsense-mediated mRNA decay. In addition, this variant is considered to be rare based on population cohorts in the Genome Aggregation Database (gnomAD). As such, this alteration is interpreted as a disease-causing mutation.

NM_001903.5(CTNNA1):c.50del (p.Ser17fs)

Gene: CTNNA1 (catenin alpha 1; plus strand). Cytogenetic location: 5q31.2.
Variant type: Deletion.
Coding change: c.50del on transcript NM_001903.5 (MANE Select); coding-DNA position 50, one base deleted (G; older notation c.50delG).
Protein change: p.Ser17fs; shifts the reading frame from serine 17.
Molecular consequence: frameshift variant. On other transcripts: 5 prime UTR variant (2).
Genome position (GRCh38, 1-based): chr5:138,781,974, G deleted. VCF-style (leftmost placement, unchanged base first): chr5-138781973-AG-A. GRCh37 (hg19) VCF-style: chr5-138117662-AG-A.
Other names: c.50del, p.Ser17fs (NM_001290307.3, NM_001323982.2, NM_001323983.1 and 3 more transcripts); c.-64del (NM_001290309.3); c.-157del (NM_001290310.3); short protein forms S17fs.
Identifiers: ClinVar variation 3270082 (VCV003270082.2).